The following is an entry in ClinVar:

NM_002566.5(P2RY11):c.555C>T (p.Pro185=)

Genes: P2RY11 (purinergic receptor P2Y11; plus strand), PPAN-P2RY11 (PPAN-P2RY11 readthrough; plus strand). Cytogenetic location: 19p13.2.
Variant type: single nucleotide variant.
Coding change: c.555C>T on transcript NM_002566.5 (MANE Select); coding-DNA position 555, C replaced by T.
Protein change: p.Pro185=; no amino-acid change (proline 185 retained).
Molecular consequence: synonymous variant. On other transcripts: 3 prime UTR variant (1).
Genome position (GRCh38, 1-based): chr19:10,114,168, C>T. VCF-style: chr19-10114168-C-T. GRCh37 (hg19) VCF-style: chr19-10224844-C-T.
Other names: c.1815C>T, p.Pro605= (NM_001040664.3); c.*314C>T (NM_001198690.2).
Identifiers: ClinVar variation 3046390 (VCV003046390.2), dbSNP rs139489816, ClinGen allele CA9186484.

ClinVar aggregate classification (germline): Likely benign (0 of 4 stars; one submission).

Conditions:
P2RY11-related disorder. Also called: P2RY11-related condition.

Allele frequency attached by ClinVar (database versions not stated): gnomAD 0.00001; ExAC 0.00003; ESP Exome Variant Server 0.00023.
gnomAD v4.1: 47 of 1,600,566 alleles (0.0029%); highest among the groups gnomAD compares: Admixed American, 0.0067%; no homozygotes.

Submission:

PreventionGenetics, part of Exact Sciences
Classification: Likely benign for P2RY11-related condition. Last evaluated: 2019-02-21. Review status: no assertion criteria provided. Collection method: clinical testing. Allele origin: germline.
Comment: This variant is classified as likely benign based on ACMG/AMP sequence variant interpretation guidelines (Richards et al. 2015 PMID: 25741868, with internal and published modifications).